The following is an entry in ClinVar:

ClinVar aggregate classification (germline): Pathogenic (1 of 4 stars; one submission).

Conditions:
Hereditary cancer-predisposing syndrome. Also called: Neoplastic Syndromes, Hereditary; Tumor predisposition; Hereditary Cancer Syndrome; Hereditary neoplastic syndrome. Identifiers: Orphanet 140162, MedGen C0027672, MeSH D009386, MONDO:0015356.

Submission:

Ambry Genetics
Classification: Pathogenic for Hereditary cancer-predisposing syndrome. Last evaluated: 2021-10-25. Review status: criteria provided, single submitter. Criteria: Ambry Variant Classification Scheme 2023. Collection method: clinical testing. Allele origin: germline.
Comment: The c.3994delA variant, located in coding exon 26 of the ATM gene, results from a deletion of one nucleotide at nucleotide position 3994, causing a translational frameshift with a predicted alternate stop codon (p.I1332Lfs*17). This variant is considered to be rare based on population cohorts in the Genome Aggregation Database (gnomAD). This alteration is expected to result in loss of function by premature protein truncation or nonsense-mediated mRNA decay. As such, this alteration is interpreted as a disease-causing mutation.

NM_000051.4(ATM):c.3994del (p.Ile1332fs)

Gene: ATM (ATM serine/threonine kinase; plus strand). Cytogenetic location: 11q22.3.
Variant type: Deletion.
Coding change: c.3994del on transcript NM_000051.4 (MANE Select); coding-DNA position 3994, one base deleted (A; older notation c.3994delA).
Protein change: p.Ile1332fs; shifts the reading frame from isoleucine 1332.
Molecular consequence: frameshift variant.
Genome position (GRCh38, 1-based): chr11:108,287,600, A deleted. VCF-style (leftmost placement, unchanged base first): chr11-108287599-GA-G. GRCh37 (hg19) VCF-style: chr11-108158326-GA-G.
Other names: c.3994del, p.Ile1332fs (NM_001351834.2); short protein forms I1332fs.
Identifiers: ClinVar variation 1736789 (VCV001736789.2), dbSNP rs2546897636, ClinGen allele CA2580082955.
Genomic context (GRCh38, chr11:108,287,599, plus strand): 5'-AGCTGTCTTGACGTTCACAGATATAAAATATTAAATATATTTTAATTTTGTGCCCTTGCA[GA>G]TTGATCACTTATTCATTAGTAATTTACCAGAGATTGTGGTGGAGTTATTGATGACGTTAC-3'